The following is an entry in ClinVar:

NM_020738.4(KIDINS220):c.2462G>A (p.Ser821Asn)

Gene: KIDINS220 (kinase D interacting substrate 220; minus strand). Cytogenetic location: 2p25.1.
Variant type: single nucleotide variant.
Coding change: c.2462G>A on transcript NM_020738.4 (MANE Select); coding-DNA position 2462, G replaced by A.
Protein change: p.Ser821Asn; replaces serine 821 with asparagine.
Molecular consequence: missense variant. On other transcripts: non-coding transcript variant (2).
Genome position (GRCh38, 1-based): chr2:8,779,048, C>T on the plus strand (G>A on the coding strand, the complement: KIDINS220 is on the minus strand). VCF-style: chr2-8779048-C-T. GRCh37 (hg19) VCF-style: chr2-8919178-C-T.
Other names: c.2465G>A, p.Ser822Asn (NM_001348729.2, NM_001348731.2, NM_001348734.2 and 3 more transcripts); c.2462G>A, p.Ser821Asn (NM_001348732.2, NM_001348735.2, NM_001348738.2 and 3 more transcripts); c.2336G>A, p.Ser779Asn (NM_001348736.2); short protein forms S779N, S821N, S822N.
Identifiers: ClinVar variation 4999419 (VCV004999419.1).

ClinVar aggregate classification (germline): Uncertain significance (1 of 4 stars; one submission).

Conditions:
KIDINS220-related disorder. Also called: KIDINS220-related condition.

gnomAD v4.1: 7 of 1,613,996 alleles (0.00043%); highest among the groups gnomAD compares: Non-Finnish European, 0.00059%; no homozygotes.

Submission:

PreventionGenetics, part of Exact Sciences
Classification: Uncertain significance for KIDINS220-related condition. Last evaluated: 2025-12-09. Review status: criteria provided, single submitter. Criteria: ACMG Guidelines, 2015. Collection method: clinical testing. Allele origin: germline.
Comment: The KIDINS220 c.2462G>A variant is predicted to result in the amino acid substitution p.Ser821Asn. To our knowledge, this variant has not been reported in the literature or in a large population database (gnomAD), indicating this variant is rare. At this time, the clinical significance of this variant is uncertain due to the absence of conclusive functional and genetic evidence.